The following is an entry in ClinVar:

ClinVar aggregate classification (germline): Likely benign (1 of 4 stars; one submission).

Allele frequency attached by ClinVar (database versions not stated): gnomAD 0.01005; TOPMed 0.01111; 1000 Genomes Project 0.01238; 1000 Genomes Project 30x 0.01343.
gnomAD v4.1: 1,513 of 152,258 alleles (0.99%); highest among the groups gnomAD compares: African/African-American, 3.5%; 22 homozygotes.

Submission:

GeneDx
Classification: Likely benign. Last evaluated: 2021-04-02. Review status: criteria provided, single submitter. Criteria: GeneDx Variant Classification Process June 2021. Collection method: clinical testing. Allele origin: germline. Affected: yes.
Comment: See Variant Classification Assertion Criteria.

NM_003361.4(UMOD):c.1741-172A>G

Gene: UMOD (uromodulin; minus strand). Cytogenetic location: 16p12.3.
Variant type: single nucleotide variant.
Coding change: c.1741-172A>G on transcript NM_003361.4 (MANE Select); 172 bases into the intron before coding-DNA position 1741, A replaced by G.
Molecular consequence: intron variant.
Genome position (GRCh38, 1-based): chr16:20,336,899, T>C on the plus strand (A>G on the coding strand, the complement: UMOD is on the minus strand). VCF-style: chr16-20336899-T-C. GRCh37 (hg19) VCF-style: chr16-20348221-T-C.
Other names: c.1741-172A>G (NM_001008389.3, NM_001378232.1, NM_001378233.1); c.1882-172A>G (NM_001378234.1, NM_001378235.1); c.1840-172A>G (NM_001278614.2).
Identifiers: ClinVar variation 1707395 (VCV001707395.2), dbSNP rs116189548, ClinGen allele CA279288576.